The following is an entry in ClinVar:

NM_170707.4(LMNA):c.1749G>A (p.Ser583=)

Gene: LMNA (lamin A/C; plus strand). Cytogenetic location: 1q22.
Variant type: single nucleotide variant.
Coding change: c.1749G>A on transcript NM_170707.4 (MANE Select); coding-DNA position 1749, G replaced by A.
Protein change: p.Ser583=; no amino-acid change (serine 583 retained).
Molecular consequence: synonymous variant.
Genome position (GRCh38, 1-based): chr1:156,138,538, G>A. VCF-style: chr1-156138538-G-A. GRCh37 (hg19) VCF-style: chr1-156108329-G-A.
Other names: c.1413G>A, p.Ser471= (NM_001257374.3); c.1749G>A, p.Ser583= (NM_001282626.2); c.1659G>A, p.Ser553= (NM_170708.4).
Identifiers: ClinVar variation 543292 (VCV000543292.21), dbSNP rs970494454, ClinGen allele CA31015378.
Genomic context (GRCh38, chr1:156,138,538, plus strand): 5'-CCCTTCCCAGGGCTCCCACTGCAGCAGCTCGGGGGACCCCGCTGAGTACAACCTGCGCTC[G>A]CGCACCGTGCTGTGCGGGACCTGCGGGCAGCCTGCCGACAAGGCATCTGCCAGCGGCTCA-3'
Protein context (NP_733821.1, residues 573-593): SGDPAEYNLR[Ser583=]RTVLCGTCGQ

ClinVar aggregate classification (germline): Conflicting classifications of pathogenicity. Review status: criteria provided, conflicting classifications (1 of 4 stars). 7 submissions from 7 submitters: Uncertain significance (1); Likely benign (6). Last evaluated 2026-09-01.

Conditions:
Cardiovascular phenotype. Identifiers: MedGen CN230736.
Charcot-Marie-Tooth disease type 2. Also called: Charcot-Marie-Tooth type 2. Identifiers: Orphanet 64746, MedGen C0270914, MONDO:0018993.
Primary dilated cardiomyopathy (DCM). Also called: Dilated Cardiomyopathy. Identifiers: Orphanet 217604, MedGen C0007193, MeSH D002311, MONDO:0005021, HP:0001644. Inheritance: Various modes of inheritance.
Cardiomyopathy (CMYO). Also called: Cardiomyopathies. Identifiers: Orphanet 167848, MedGen C0878544, MONDO:0004994, HP:0001638. Inheritance: Various modes of inheritance.

Allele frequency attached by ClinVar (database versions not stated): gnomAD exomes below 0.00001; TOPMed 0.00002.

Submissions (7):

CeGaT Center for Human Genetics Tuebingen
Classification: Likely benign. Last evaluated: 2026-09-01. Review status: criteria provided, single submitter. Criteria: CeGaT Center For Human Genetics Tuebingen Variant Classification Criteria Version 2. Collection method: clinical testing. Allele origin: germline. Affected: yes. Observed: 1 variant allele.
Comment: LMNA: BP4, BP7

Labcorp Genetics (formerly Invitae), Labcorp
Classification: Likely benign for Charcot-Marie-Tooth disease type 2. Last evaluated: 2025-11-12. Review status: criteria provided, single submitter. Criteria: Invitae Variant Classification Sherloc (09022015). Collection method: clinical testing. Allele origin: germline.

All of Us Research Program, National Institutes of Health
Classification: Likely benign for Primary dilated cardiomyopathy. Last evaluated: 2023-11-20. Review status: criteria provided, single submitter. Criteria: ACMG Guidelines, 2015. Collection method: clinical testing. Allele origin: germline. Inheritance: Autosomal dominant inheritance. Observed: 1 variant allele, 1 heterozygote.
Comment: This study involves interpretation of variants in research participants for the purpose of population health screening. Participant phenotype was not available at the time of variant classification. Additional details can be found in publication PMID: 35346344, PMCID: PMC8962531

Athena Diagnostics
Classification: Likely benign. Last evaluated: 2021-01-06. Review status: criteria provided, single submitter. Criteria: Athena Diagnostics criteria. Collection method: clinical testing. Allele origin: unknown.

Ambry Genetics
Classification: Likely benign for Cardiovascular phenotype. Last evaluated: 2019-07-11. Review status: criteria provided, single submitter. Criteria: Ambry Variant Classification Scheme 2023. Collection method: clinical testing. Allele origin: germline.

Color Diagnostics, LLC DBA Color Health
Classification: Likely benign for Cardiomyopathy. Last evaluated: 2019-07-02. Review status: criteria provided, single submitter. Criteria: ACMG Guidelines, 2015. Collection method: clinical testing. Allele origin: germline.

CHEO Genetics Diagnostic Laboratory, Children's Hospital of Eastern Ontario
Classification: Uncertain significance for Cardiomyopathy. Last evaluated: 2016-06-15. Review status: criteria provided, single submitter. Criteria: ACMG Guidelines, 2015. Collection method: clinical testing. Allele origin: germline. Study: Canadian Open Genetics Repository.